The following is an entry in ClinVar:

ClinVar aggregate classification (germline): Uncertain significance. Review status: criteria provided, multiple submitters, no conflicts (2 of 4 stars). 2 submissions from 2 submitters: Uncertain significance (2). Last evaluated 2025-02-12.

Conditions:
Inborn genetic diseases. Identifiers: MedGen C0950123, MeSH D030342.
Thrombocytopenia. Identifiers: MedGen C0040034, MeSH D013921, MONDO:0002049, HP:0001873.

Submissions (2):

Ambry Genetics
Classification: Uncertain significance for Inborn genetic diseases. Last evaluated: 2025-02-12. Review status: criteria provided, single submitter. Criteria: Ambry Variant Classification Scheme 2023. Collection method: clinical testing. Allele origin: germline.
Comment: The p.F417L variant (also known as c.1251C>G), located in coding exon 7 of the ETV6 gene, results from a C to G substitution at nucleotide position 1251. The phenylalanine at codon 417 is replaced by leucine, an amino acid with highly similar properties. This amino acid position is highly conserved in available vertebrate species. In addition, the in silico prediction for this alteration is inconclusive. Based on the available evidence, the clinical significance of this variant remains unclear.

NIHR Bioresource Rare Diseases, University of Cambridge
Classification: Uncertain significance for Thrombocytopenia. Last evaluated: 2019-02-01. Review status: criteria provided, single submitter. Criteria: ACMG Guidelines, 2015. Collection method: research. Allele origin: unknown. Affected: yes. Observed: 1 heterozygote. Study: ThromboGenomics.

Literature cited by the submitters: PubMed 31064749 (cited by NIHR Bioresource Rare Diseases, University of Cambridge).

NM_001987.5(ETV6):c.1251C>G (p.Phe417Leu)

Gene: ETV6 (ETS variant transcription factor 6; plus strand). Cytogenetic location: 12p13.2.
Variant type: single nucleotide variant.
Coding change: c.1251C>G on transcript NM_001987.5 (MANE Select); coding-DNA position 1251, C replaced by G.
Protein change: p.Phe417Leu; replaces phenylalanine 417 with leucine.
Molecular consequence: missense variant.
Genome position (GRCh38, 1-based): chr12:11,886,024, C>G. VCF-style: chr12-11886024-C-G. GRCh37 (hg19) VCF-style: chr12-12038958-C-G.
Other names: short protein forms F417L.
Identifiers: ClinVar variation 626985 (VCV000626985.3), dbSNP rs1591750603, ClinGen allele CA384045032.